The following is an entry in ClinVar:

NM_000163.5(GHR):c.214G>A (p.Val72Ile)

Gene: GHR (growth hormone receptor; plus strand). Cytogenetic location: 5p12.
Variant type: single nucleotide variant.
Coding change: c.214G>A on transcript NM_000163.5 (MANE Select); coding-DNA position 214, G replaced by A.
Protein change: p.Val72Ile; replaces valine 72 with isoleucine.
Molecular consequence: missense variant.
Genome position (GRCh38, 1-based): chr5:42,688,967, G>A. VCF-style: chr5-42688967-G-A. GRCh37 (hg19) VCF-style: chr5-42689069-G-A.
Other names: c.235G>A, p.Val79Ile (NM_001242399.2); c.214G>A, p.Val72Ile (NM_001242400.2, NM_001242401.4, NM_001242402.2 and 5 more transcripts); c.148G>A, p.Val50Ile (NM_001242460.2); short protein forms V72I, V79I, V50I.
Identifiers: ClinVar variation 2181305 (VCV002181305.2), dbSNP rs781454088, ClinGen allele CA359694837.

ClinVar aggregate classification (germline): Uncertain significance. Review status: criteria provided, multiple submitters, no conflicts (2 of 4 stars). 2 submissions from 2 submitters: Uncertain significance (2). Last evaluated 2022-12-16.

Conditions:
Inborn genetic diseases. Identifiers: MedGen C0950123, MeSH D030342.

Allele frequency attached by ClinVar (database versions not stated): TOPMed 0.00002; gnomAD 0.00003.
gnomAD v4.1: 35 of 1,613,194 alleles (0.0022%); highest among the groups gnomAD compares: Non-Finnish European, 0.0027%; 1 homozygote.

Submissions (2):

Ambry Genetics
Classification: Uncertain significance for Inborn genetic diseases. Last evaluated: 2022-12-16. Review status: criteria provided, single submitter. Criteria: Ambry Variant Classification Scheme 2023. Collection method: clinical testing. Allele origin: germline.

Labcorp Genetics (formerly Invitae), Labcorp
Classification: Uncertain significance. Last evaluated: 2022-05-17. Review status: criteria provided, single submitter. Criteria: Invitae Variant Classification Sherloc (09022015). Collection method: clinical testing. Allele origin: germline.
Comment: This sequence change replaces valine, which is neutral and non-polar, with isoleucine, which is neutral and non-polar, at codon 72 of the GHR protein (p.Val72Ile). This variant is not present in population databases (gnomAD no frequency). This variant has not been reported in the literature in individuals affected with GHR-related conditions. Algorithms developed to predict the effect of missense changes on protein structure and function output the following: SIFT: "Tolerated"; PolyPhen-2: "Benign"; Align-GVGD: "Class C0". The isoleucine amino acid residue is found in multiple mammalian species, which suggests that this missense change does not adversely affect protein function. In summary, the available evidence is currently insufficient to determine the role of this variant in disease. Therefore, it has been classified as a Variant of Uncertain Significance.